The following is an entry in ClinVar:

ClinVar aggregate classification (germline): Conflicting classifications of pathogenicity. Review status: criteria provided, conflicting classifications (1 of 4 stars). 5 submissions from 5 submitters: Pathogenic (1); Likely pathogenic (2); Uncertain significance (1). 1 of the submissions does not count toward it. Last evaluated 2024-12-01.

Conditions:
Hereditary cancer-predisposing syndrome. Also called: Tumor predisposition; Hereditary neoplastic syndrome; Neoplastic Syndromes, Hereditary; Hereditary Cancer Syndrome. Identifiers: Orphanet 140162, MedGen C0027672, MeSH D009386, MONDO:0015356.
Familial melanoma. Also called: Hereditary melanoma; Hereditary cutaneous melanoma. Identifiers: Orphanet 618, MedGen C1512419, MONDO:0018961.
Squamous cell lung carcinoma. Also called: Lung cancer, squamous cell, somatic; Squamous cell carcinoma of lung. Identifiers: MedGen C0149782, MONDO:0005097, HP:0030359.

Submissions (5):

CeGaT Center for Human Genetics Tuebingen
Classification: Uncertain significance. Last evaluated: 2024-12-01. Review status: criteria provided, single submitter. Criteria: CeGaT Center For Human Genetics Tuebingen Variant Classification Criteria Version 2. Collection method: clinical testing. Allele origin: germline. Affected: yes. Observed: 1 variant allele.
Comment: CDKN2A: PM2, PP1:Moderate, PS4:Supporting, BP4

Labcorp Genetics (formerly Invitae), Labcorp
Classification: Likely pathogenic for Familial melanoma. Last evaluated: 2023-12-23. Review status: criteria provided, single submitter. Criteria: Invitae Variant Classification Sherloc (09022015). Collection method: clinical testing. Allele origin: germline.
Comment: This sequence change replaces leucine, which is neutral and non-polar, with proline, which is neutral and non-polar, at codon 65 of the CDKN2A (p16INK4a) protein (p.Leu65Pro). This variant is not present in population databases (gnomAD no frequency). This missense change has been observed in individual(s) with a personal and/or family history of melanoma and pancreatic cancer (PMID: 15235029, 15860862, 18024887, 21325014, 22841127, 25780468, 26775776, 28592523, 36139606). It has also been observed to segregate with disease in related individuals. ClinVar contains an entry for this variant (Variation ID: 820351). An algorithm developed to predict the effect of missense changes on protein structure and function (PolyPhen-2) suggests that this variant is likely to be disruptive. Experimental studies have shown that this missense change affects CDKN2A (p16INK4a) function (PMID: 15235029, 35001868). In summary, the currently available evidence indicates that the variant is pathogenic, but additional data are needed to prove that conclusively. Therefore, this variant has been classified as Likely Pathogenic.

Color Diagnostics, LLC DBA Color Health
Classification: Likely pathogenic for Hereditary cancer-predisposing syndrome. Last evaluated: 2023-07-19. Review status: criteria provided, single submitter. Criteria: ACMG Guidelines, 2015. Collection method: clinical testing. Allele origin: germline.
Comment: This missense variant replaces leucine with proline at codon 65 of the CDKN2A (p16INK4A) protein. Computational prediction suggests that this variant may not impact protein structure and function (internally defined REVEL score threshold <= 0.5, PMID: 27666373). Functional studies have shown that the variant protein exhibits reduced binding to CDK4 in a yeast-based assay (PMID: 15235029) and some disruption in mammalian cell-based proliferation assays (PMID: 24659262, 35001868). This variant has been reported in multiple individuals affected with melanoma (PMID: 15235029, 16905682, 18024887, 21325014, 25780468, 26681309), pancreatic cancer (PMID: 22368299, 25356972), and osteosarcoma (PMID: 28592523). It has been shown that this variant segregates with melanomas in at least 4 individuals in a family (PMID: 15235029). This variant has not been identified in the general population by the Genome Aggregation Database (gnomAD). Based on the available evidence, this variant is classified as Likely Pathogenic.

Ambry Genetics
Classification: Pathogenic for Hereditary cancer-predisposing syndrome. Last evaluated: 2022-08-25. Review status: criteria provided, single submitter. Criteria: Ambry Variant Classification Scheme 2023. Collection method: clinical testing. Allele origin: germline.
Comment: The p.L65P pathogenic mutation (also known as c.194T>C), located in coding exon 2 of the CDKN2A gene, results from a T to C substitution at nucleotide position 194. The leucine at codon 65 is replaced by proline, an amino acid with similar properties. This alteration has been reported in individuals with a personal and/or family history of pancreatic cancer, atypical nevi and/or cutaneous malignant melanoma and has been shown to segregate with disease in one of these families (Ambry internal data; Landi MT et al. J. Med. Genet. 2004 Jul;41(7):557-66; Puig S et al. J. Clin. Oncol. 2005 May;23(13):3043-51; Goldstein AM et al. J. Med. Genet. 2007 Feb;44(2):99-106; Ghiorzo P et al. J. Med. Genet. 2012 Mar;49(3):164-70; Zhen DB et al. Genet. Med. 2015 Jul;17(7):569-77). Functional analysis of this variant is conflicting with one study showing a modest decrease in CDK4 binding while another study shows normal-to-intermediate rates of cell proliferation (Landi MT et al. J. Med. Genet. 2004 Jul;41(7):557-66; Scaini et al. Hum. Mutat. 2014 Jul;35(7):828-40). Based on internal structural analysis, this variant is anticipated to result in a significant decrease in structural stability (Ambry internal data; Byeon IJ et al. Mol. Cell. 1998 Feb;1:421-31). This variant was not reported in population-based cohorts in the Genome Aggregation Database (gnomAD). This amino acid position is not well conserved in available vertebrate species. In addition, the in silico prediction for this alteration is inconclusive. Based on the supporting evidence, this alteration is interpreted as a disease-causing mutation.

Faculté Pluridciplinaire Nador, Université Mohamed Premier
Classification: Likely pathogenic for Squamous Cell Lung Carcinoma. Last evaluated: 2020-05-05. Review status: no assertion criteria provided. Collection method: clinical testing, in vivo. Allele origin: somatic. Affected: yes. Observed: 1 variant allele. Not counted in ClinVar's aggregate classification.

Literature cited by the submitters: PubMed 15235029 (cited by Labcorp Genetics (formerly Invitae), Labcorp and Color Diagnostics, LLC DBA Color Health); PubMed 15860862 (cited by Labcorp Genetics (formerly Invitae), Labcorp); PubMed 18024887 (cited by Labcorp Genetics (formerly Invitae), Labcorp and Color Diagnostics, LLC DBA Color Health); PubMed 21325014 (cited by Labcorp Genetics (formerly Invitae), Labcorp and Color Diagnostics, LLC DBA Color Health); PubMed 22841127 (cited by Labcorp Genetics (formerly Invitae), Labcorp); PubMed 25780468 (cited by Labcorp Genetics (formerly Invitae), Labcorp and Color Diagnostics, LLC DBA Color Health); PubMed 26775776 (cited by Labcorp Genetics (formerly Invitae), Labcorp); PubMed 28592523 (cited by Labcorp Genetics (formerly Invitae), Labcorp and Color Diagnostics, LLC DBA Color Health); PubMed 36139606 (cited by Labcorp Genetics (formerly Invitae), Labcorp); PubMed 35001868 (cited by Labcorp Genetics (formerly Invitae), Labcorp and Color Diagnostics, LLC DBA Color Health); PubMed 16905682 (cited by Color Diagnostics, LLC DBA Color Health); PubMed 22368299 (cited by Color Diagnostics, LLC DBA Color Health); PubMed 24659262 (cited by Color Diagnostics, LLC DBA Color Health); PubMed 25356972 (cited by Color Diagnostics, LLC DBA Color Health); PubMed 26681309 (cited by Color Diagnostics, LLC DBA Color Health); PubMed 9660926 (cited by Ambry Genetics); DOI 10.3389/fonc.2020.01215 (cited by Faculté Pluridciplinaire Nador, Université Mohamed Premier).

NM_000077.5(CDKN2A):c.194T>C (p.Leu65Pro)

Gene: CDKN2A (cyclin dependent kinase inhibitor 2A; minus strand). Cytogenetic location: 9p21.3.
Variant type: single nucleotide variant.
Coding change: c.194T>C on transcript NM_000077.5; coding-DNA position 194, T replaced by C.
Protein change: p.Leu65Pro; replaces leucine 65 with proline.
Molecular consequence: missense variant (on NM_000077.6). On other transcripts: synonymous variant (1), 3 prime UTR variant (1).
Genome position (GRCh38, 1-based): chr9:21,971,165, A>G on the plus strand (T>C on the coding strand, the complement: CDKN2A is on the minus strand). VCF-style: chr9-21971165-A-G. GRCh37 (hg19) VCF-style: chr9-21971164-A-G.
Other names: c.194T>C, p.Leu65Pro (NM_000077.6, NM_001195132.2); c.41T>C, p.Leu14Pro (NM_001363763.2); c.237T>C, p.Ala79= (NM_058195.4); c.*117T>C (NM_058197.5); short protein forms L14P, L65P.
Identifiers: ClinVar variation 820351 (VCV000820351.29), dbSNP rs1587332314, ClinGen allele CA16622120.
Genomic context (GRCh38, chr9:21,971,165, plus strand): 5'-GCGTCGTGCACGGGTCGGGTGAGAGTGGCGGGGTCGGCGCAGTTGGGCTCCGCGCCGTGG[A>G]GCAGCAGCAGCTCCGCCACTCGGGCGCTGCCCATCATCATGACCTGCCAGAGAGAACAGA-3'
Protein context (NP_000068.1, residues 55-75): GSARVAELLL[Leu65Pro]HGAEPNCADP